The following is an entry in ClinVar:

ClinVar aggregate classification (germline): Likely pathogenic (1 of 4 stars; one submission).

Conditions:
Retinitis pigmentosa 40 (RP40). Identifiers: Orphanet 791, MedGen C3151107, MONDO:0013429, OMIM 613801.

Submission:

Ocular Genomics Institute, Massachusetts Eye and Ear
Classification: Likely pathogenic for Retinitis pigmentosa 40. Last evaluated: 2021-04-08. Review status: criteria provided, single submitter. Criteria: ACMG Guidelines, 2015. Collection method: research. Allele origin: germline. Affected: yes.
Comment: Through a review of available evidence we were able to apply the following criteria: PVS1, PM2. Based on this evidence we have classified this variant as Likely Pathogenic.

NM_000283.4(PDE6B):c.2427_2428dup (p.Leu810fs)

Gene: PDE6B (phosphodiesterase 6B; plus strand). Cytogenetic location: 4p16.3.
Variant type: Microsatellite.
Coding change: c.2427_2428dup on transcript NM_000283.4 (MANE Select); coding-DNA positions 2427 to 2428, 2 bases duplicated (GC; older notation c.2427_2428dupGC).
Protein change: p.Leu810fs; shifts the reading frame from leucine 810.
Molecular consequence: frameshift variant.
Genome position (GRCh38, 1-based): chr4:667,930-667,931, GC duplicated; duplicating any 2 consecutive bases within chr4:667,928-667,931 gives the same sequence; the c. name uses the placement nearest the transcript's 3' end. VCF-style (leftmost placement, unchanged base first): chr4-667927-G-GGC. GRCh37 (hg19) VCF-style: chr4-661716-G-GGC.
Other names: c.2427_2428dup, p.Leu810fs (NM_001145291.2); c.1590_1591dup, p.Leu531fs (NM_001145292.2, NM_001350154.3, NM_001379246.1 and 1 more transcripts); c.1272_1273dup, p.Leu425fs (NM_001350155.3); short protein forms L425fs, L531fs, L810fs.
Identifiers: ClinVar variation 1065730 (VCV001065730.1), dbSNP rs2109284029, ClinGen allele CA2580616046.